The following is an entry in ClinVar:

NM_015443.4(KANSL1):c.2570A>G (p.Glu857Gly)

Gene: KANSL1 (KAT8 regulatory NSL complex subunit 1). Cytogenetic location: 17q21.31.
Variant type: single nucleotide variant.
Coding change: c.2570A>G on transcript NM_015443.4 (MANE Select); coding-DNA position 2570, A replaced by G.
Protein change: p.Glu857Gly; replaces glutamic acid 857 with glycine.
Molecular consequence: missense variant.
Genome position (GRCh38, 1-based): chr17:46,034,257, T>C on the plus strand (A>G on the coding strand, the complement: KANSL1 is on the minus strand). VCF-style: chr17-46034257-T-C. GRCh37 (hg19) VCF-style: chr17-44111623-T-C.
Other names: c.2468A>G, p.Glu823Gly (NM_001405859.1, NM_001405860.1); c.2465A>G, p.Glu822Gly (NM_001405861.1, NM_001405881.1); c.2570A>G, p.Glu857Gly (NM_001405872.1, NM_001405873.1, NM_001405874.1 and 4 more transcripts); c.2381A>G, p.Glu794Gly (NM_001405875.1, NM_001405876.1, NM_001405877.1 and 1 more transcripts); c.2378A>G, p.Glu793Gly (NM_001405879.1, NM_001405880.1); c.1304A>G, p.Glu435Gly (NM_001405882.1); c.1301A>G, p.Glu434Gly (NM_001405883.1); c.1115A>G, p.Glu372Gly (NM_001405884.1); and 2 more; short protein forms E793G, E372G, E794G, E857G, E856G, E371G, E434G, E435G.
Identifiers: ClinVar variation 3582164 (VCV003582164.3).
Genomic context (GRCh38, chr17:46,034,257, plus strand): 5'-ACGCGAGTTGTTGCAGCAACAGACATTGGGATGACAATGTTGTTAATATCAAATGAGCTC[T>C]CTCCCCTTCTCCTCCTTACTGGCTGCTGCTGTAAGATAAAAATTAAGTTTAAAAGGAAGG-3'
Protein context (NP_056258.1, residues 847-867): SQQPVRRRRG[Glu857Gly]SSFDINNIVI

ClinVar aggregate classification (germline): Uncertain significance. Review status: criteria provided, multiple submitters, no conflicts (2 of 4 stars). 2 submissions from 2 submitters: Uncertain significance (2). Last evaluated 2025-01-06.

Conditions:
Koolen-de Vries syndrome (KDVS). Identifiers: Orphanet 96169, MedGen C1864871, MONDO:0012496, OMIM 610443.

gnomAD v4.1: 3 of 1,613,976 alleles (0.00019%); highest among the groups gnomAD compares: Admixed American, 0.0033%; no homozygotes.

Submissions (2):

Labcorp Genetics (formerly Invitae), Labcorp
Classification: Uncertain significance for Koolen-de Vries syndrome. Last evaluated: 2025-01-06. Review status: criteria provided, single submitter. Criteria: Invitae Variant Classification Sherloc (09022015). Collection method: clinical testing. Allele origin: germline.
Comment: This sequence change replaces glutamic acid, which is acidic and polar, with glycine, which is neutral and non-polar, at codon 857 of the KANSL1 protein (p.Glu857Gly). This variant is present in population databases (rs765884482, gnomAD 0.006%). This variant has not been reported in the literature in individuals affected with KANSL1-related conditions. Invitae Evidence Modeling of protein sequence and biophysical properties (such as structural, functional, and spatial information, amino acid conservation, physicochemical variation, residue mobility, and thermodynamic stability) indicates that this missense variant is expected to disrupt KANSL1 protein function with a positive predictive value of 80%. In summary, the available evidence is currently insufficient to determine the role of this variant in disease. Therefore, it has been classified as a Variant of Uncertain Significance.

Fulgent Genetics
Classification: Uncertain significance for Koolen-de Vries syndrome. Last evaluated: 2024-01-30. Review status: criteria provided, single submitter. Criteria: ACMG Guidelines, 2015. Collection method: clinical testing. Allele origin: germline.